The following is an entry in ClinVar:

NM_024312.5(GNPTAB):c.336dup (p.Lys113fs)

Gene: GNPTAB (N-acetylglucosamine-1-phosphate transferase subunits alpha and beta; minus strand). Cytogenetic location: 12q23.2.
Variant type: Duplication.
Coding change: c.336dup on transcript NM_024312.5 (MANE Select); coding-DNA position 336, one base duplicated (G; older notation c.336dupG).
Protein change: p.Lys113fs; shifts the reading frame from lysine 113.
Molecular consequence: frameshift variant.
Genome position (GRCh38, 1-based): chr12:101,788,577, C duplicated on the plus strand (G on the coding strand, the reverse complement: GNPTAB is on the minus strand); the first of 3 consecutive C bases (chr12:101,788,577-101,788,579); duplicating any one gives the same sequence. VCF-style (leftmost placement, unchanged base first): chr12-101788576-T-TC. GRCh37 (hg19) VCF-style: chr12-102182354-T-TC.
Other names: short protein forms K113fs.
Identifiers: ClinVar variation 5015606 (VCV005015606.1).

ClinVar aggregate classification (germline): Pathogenic (1 of 4 stars; one submission).

Conditions:
GNPTAB-mucolipidosis. Also called: UDP-N-acetylglucosamine-1-phosphotransferase subunit alpha/beta deficiency. Identifiers: MedGen CN322573, MONDO:0100122.

Submission:

Myriad Genetics, Inc.
Classification: Pathogenic for GNPTAB-mucolipidosis. Last evaluated: 2026-02-25. Review status: criteria provided, single submitter. Criteria: Myriad Autosomal Dominant, Autosomal Recessive and X-Linked Classification Criteria (2023). Collection method: clinical testing. Allele origin: unknown.
Comment: NM_024312.4(GNPTAB):c.336dupG(K113Efs*8) is expected to be pathogenic in the context of GNPTAB-related disorders. This variant is predicted to lead to an abnormal or absent protein product due to the creation of a premature termination codon in GNPTAB, a gene where loss-of-function variants are known to be pathogenic. Please note: this variant was assessed in the context of healthy population screening.